The following is an entry in ClinVar:

NM_000312.4(PROC):c.1048A>G (p.Lys350Glu)

Gene: PROC (protein C, inactivator of coagulation factors Va and VIIIa; plus strand). Cytogenetic location: 2q14.3.
Variant type: single nucleotide variant.
Coding change: c.1048A>G on transcript NM_000312.4 (MANE Select); coding-DNA position 1048, A replaced by G.
Protein change: p.Lys350Glu; replaces lysine 350 with glutamic acid.
Molecular consequence: missense variant.
Genome position (GRCh38, 1-based): chr2:127,428,608, A>G. VCF-style: chr2-127428608-A-G. GRCh37 (hg19) VCF-style: chr2-128186184-A-G.
Other names: c.1042A>G, p.Lys348Glu (NM_001375610.1); c.1048A>G, p.Lys350Glu (NM_001375611.1, NM_001375613.1); c.1231A>G, p.Lys411Glu (NM_001375602.1); c.1213A>G, p.Lys405Glu (NM_001375603.1); c.1111A>G, p.Lys371Glu (NM_001375604.1); c.1150A>G, p.Lys384Glu (NM_001375605.1); c.1216A>G, p.Lys406Glu (NM_001375606.1); c.1234A>G, p.Lys412Glu (NM_001375607.1); and 2 more; short protein forms K331E, K342E, K348E, K350E, K371E, K384E, K405E, K406E.
Identifiers: ClinVar variation 2572142 (VCV002572142.1), dbSNP rs1191848415, ClinGen allele CA348405638.

ClinVar aggregate classification (germline): Uncertain significance (1 of 4 stars; one submission).

Conditions:
Thrombophilia due to protein C deficiency, autosomal dominant. Also called: PROC DEFICIENCY, AUTOSOMAL DOMINANT; PROTEIN C DEFICIENCY, AUTOSOMAL DOMINANT. Identifiers: Orphanet 745, MedGen C2674321, MONDO:0008316, OMIM 176860. Disease mechanism: loss of function.

Allele frequency attached by ClinVar (database versions not stated): TOPMed 0.00001.
gnomAD v4.1: 2 of 1,614,034 alleles (0.00012%); highest among the groups gnomAD compares: Non-Finnish European, 0.00017%; no homozygotes.

Submission:

ISTH-SSC Genomics in Thrombosis and Hemostasis, KU Leuven, Center for Molecular and Vascular Biology
Classification: Uncertain significance for Thrombophilia due to protein C deficiency, autosomal dominant. Review status: criteria provided, single submitter. Criteria: ACMG Guidelines, 2015. Collection method: clinical testing. Allele origin: germline. Affected: yes. Observed: 1 heterozygote.
Comment: Submitted to the GoldVariant database by Kathleen Freson, Center for Molecular and Vascular Biology